The following is an entry in ClinVar:

ClinVar aggregate classification (germline): Uncertain significance (1 of 4 stars; one submission).

gnomAD v4.1: 1 of 1,614,074 alleles (0.000062%); highest among the groups gnomAD compares: South Asian, 0.0011%; no homozygotes.

Submission:

CeGaT Center for Human Genetics Tuebingen
Classification: Uncertain significance. Last evaluated: 2025-07-01. Review status: criteria provided, single submitter. Criteria: CeGaT Center For Human Genetics Tuebingen Variant Classification Criteria Version 2. Collection method: clinical testing. Allele origin: germline. Affected: yes. Observed: 1 variant allele.
Comment: WDR11: PM2

NM_018117.12(WDR11):c.3343C>T (p.His1115Tyr)

Gene: WDR11 (WD repeat domain 11; plus strand). Cytogenetic location: 10q26.12.
Variant type: single nucleotide variant.
Coding change: c.3343C>T on transcript NM_018117.12 (MANE Select); coding-DNA position 3343, C replaced by T.
Protein change: p.His1115Tyr; replaces histidine 1115 with tyrosine.
Molecular consequence: missense variant.
Genome position (GRCh38, 1-based): chr10:120,905,927, C>T. VCF-style: chr10-120905927-C-T. GRCh37 (hg19) VCF-style: chr10-122665439-C-T.
Other names: short protein forms H1115Y.
Identifiers: ClinVar variation 4084983 (VCV004084983.8).
Genomic context (GRCh38, chr10:120,905,927, plus strand): 5'-CTTTCTCAGGTCCGTTTGAATCCTGAGGAGTGTGCCGATGTTTTAAGGCGGTGGGTTGAC[C>T]ACCTTTGTTCTCCACAAGTCAATCAGAAATCAAAGGCTCTCCTGGTTCTCCTCTCTCTGG-3'
Protein context (NP_060587.8, residues 1105-1125): CADVLRRWVD[His1115Tyr]LCSPQVNQKS